The following is an entry in ClinVar:

NM_018451.5(CPAP):c.1048G>C (p.Glu350Gln)

Gene: CPAP (centrosome assembly and centriole elongation protein; minus strand). Cytogenetic location: 13q12.13.
Variant type: single nucleotide variant.
Coding change: c.1048G>C on transcript NM_018451.5 (MANE Select); coding-DNA position 1048, G replaced by C.
Protein change: p.Glu350Gln; replaces glutamic acid 350 with glutamine.
Molecular consequence: missense variant. On other transcripts: non-coding transcript variant (2).
Genome position (GRCh38, 1-based): chr13:24,907,120, C>G on the plus strand (G>C on the coding strand, the complement: CPAP is on the minus strand). VCF-style: chr13-24907120-C-G. GRCh37 (hg19) VCF-style: chr13-25481258-C-G.
Other names: c.1048G>C (NM_018451.3); short protein forms E350Q.
Identifiers: ClinVar variation 1415265 (VCV001415265.10), dbSNP rs140363392, ClinGen allele CA6919840.

ClinVar aggregate classification (germline): Uncertain significance. Review status: criteria provided, multiple submitters, no conflicts (2 of 4 stars). 2 submissions from 2 submitters: Uncertain significance (2). Last evaluated 2023-02-06.

Conditions:
Inborn genetic diseases. Identifiers: MedGen C0950123, MeSH D030342.

Allele frequency attached by ClinVar (database versions not stated): gnomAD 0.00001 and 0.00002; gnomAD exomes 0.00001 and 0.00004; TOPMed 0.00001; ExAC 0.00007; 1000 Genomes Project 30x 0.00016; 1000 Genomes Project 0.00020.
gnomAD v4.1: 13 of 1,613,896 alleles (0.00081%); highest among the groups gnomAD compares: East Asian, 0.029%; no homozygotes.

Submissions (2):

Ambry Genetics
Classification: Uncertain significance for Inborn genetic diseases. Last evaluated: 2023-02-06. Review status: criteria provided, single submitter. Criteria: Ambry Variant Classification Scheme 2023. Collection method: clinical testing. Allele origin: germline.

Labcorp Genetics (formerly Invitae), Labcorp
Classification: Uncertain significance. Last evaluated: 2021-05-11. Review status: criteria provided, single submitter. Criteria: Invitae Variant Classification Sherloc (09022015). Collection method: clinical testing. Allele origin: germline.
Comment: In summary, the available evidence is currently insufficient to determine the role of this variant in disease. Therefore, it has been classified as a Variant of Uncertain Significance. Algorithms developed to predict the effect of missense changes on protein structure and function are either unavailable or do not agree on the potential impact of this missense change (SIFT: "Deleterious"; PolyPhen-2: "Possibly Damaging"; Align-GVGD: "Class C0"). This sequence change replaces glutamic acid with glutamine at codon 350 of the CENPJ protein (p.Glu350Gln). The glutamic acid residue is moderately conserved and there is a small physicochemical difference between glutamic acid and glutamine. This variant is present in population databases (rs140363392, ExAC 0.09%). This variant has not been reported in the literature in individuals with CENPJ-related conditions.